The following is an entry in ClinVar:

ClinVar aggregate classification (germline): Uncertain significance (1 of 4 stars; one submission).

Conditions:
Developmental and epileptic encephalopathy. Identifiers: MedGen C5779964, MONDO:0100620.

Allele frequency attached by ClinVar (database versions not stated): TOPMed below 0.00001; gnomAD exomes 0.00001; ExAC 0.00002; gnomAD 0.00002.
gnomAD v4.1: 17 of 1,612,914 alleles (0.0011%); highest among the groups gnomAD compares: Middle Eastern, 0.016%; no homozygotes.

Submission:

Labcorp Genetics (formerly Invitae), Labcorp
Classification: Uncertain significance for Early-infantile DEE. Last evaluated: 2022-09-27. Review status: criteria provided, single submitter. Criteria: Invitae Variant Classification Sherloc (09022015). Collection method: clinical testing. Allele origin: germline.
Comment: In summary, the available evidence is currently insufficient to determine the role of this variant in disease. Therefore, it has been classified as a Variant of Uncertain Significance. Algorithms developed to predict the effect of missense changes on protein structure and function are either unavailable or do not agree on the potential impact of this missense change (SIFT: "Deleterious"; PolyPhen-2: "Probably Damaging"; Align-GVGD: "Class C0"). ClinVar contains an entry for this variant (Variation ID: 530460). This variant has not been reported in the literature in individuals affected with CACNA2D2-related conditions. This variant is present in population databases (rs759199613, gnomAD 0.004%). This sequence change replaces threonine, which is neutral and polar, with methionine, which is neutral and non-polar, at codon 608 of the CACNA2D2 protein (p.Thr608Met).

NM_006030.4(CACNA2D2):c.1823C>T (p.Thr608Met)

Gene: CACNA2D2 (calcium voltage-gated channel auxiliary subunit alpha2delta 2; minus strand). Cytogenetic location: 3p21.31.
Variant type: single nucleotide variant.
Coding change: c.1823C>T on transcript NM_006030.4 (MANE Select); coding-DNA position 1823, C replaced by T.
Protein change: p.Thr608Met; replaces threonine 608 with methionine.
Molecular consequence: missense variant.
Genome position (GRCh38, 1-based): chr3:50,375,831, G>A on the plus strand (C>T on the coding strand, the complement: CACNA2D2 is on the minus strand). VCF-style: chr3-50375831-G-A. GRCh37 (hg19) VCF-style: chr3-50413262-G-A.
Other names: c.1823C>T, p.Thr608Met (NM_001005505.3, NM_001174051.3); c.1616C>T, p.Thr539Met (NM_001291101.1); short protein forms T608M, T539M.
Identifiers: ClinVar variation 530460 (VCV000530460.5), dbSNP rs759199613, ClinGen allele CA2418720.